The following is an entry in ClinVar:

ClinVar aggregate classification (germline): Uncertain significance. Review status: criteria provided, multiple submitters, no conflicts (2 of 4 stars). 5 submissions from 5 submitters: Uncertain significance (4). 1 of the submissions does not count toward it. Last evaluated 2026-02-20.

Conditions:
Cardiovascular phenotype. Identifiers: MedGen CN230736.
Alstrom syndrome (ALMS). Identifiers: Orphanet 64, MedGen C0268425, MONDO:0008763, OMIM 203800.

Allele frequency attached by ClinVar (database versions not stated): gnomAD 0.00003 and 0.00001; TOPMed 0.00004; 1000 Genomes Project 30x 0.00031; ExAC 0.00003; 1000 Genomes Project 0.00020.
gnomAD v4.1: 28 of 1,614,216 alleles (0.0017%); highest among the groups gnomAD compares: Middle Eastern, 0.082%; no homozygotes.

Submissions (5):

GeneDx
Classification: Uncertain significance. Last evaluated: 2026-02-20. Review status: criteria provided, single submitter. Criteria: GeneDx Variant Classification Process June 2021. Collection method: clinical testing. Allele origin: germline.
Comment: In silico analysis suggests that this missense variant does not alter protein structure/function; Has not been previously published as pathogenic or benign to our knowledge

Ambry Genetics
Classification: Uncertain significance for Cardiovascular phenotype. Last evaluated: 2022-10-28. Review status: criteria provided, single submitter. Criteria: Ambry Variant Classification Scheme 2023. Collection method: clinical testing. Allele origin: germline.
Comment: The p.V3978M variant (also known as c.11932G>A), located in coding exon 19 of the ALMS1 gene, results from a G to A substitution at nucleotide position 11932. The valine at codon 3978 is replaced by methionine, an amino acid with highly similar properties. This amino acid position is poorly conserved in available vertebrate species. In addition, this alteration is predicted to be tolerated by in silico analysis. Since supporting evidence is limited at this time, the clinical significance of this alteration remains unclear.

Labcorp Genetics (formerly Invitae), Labcorp
Classification: Uncertain significance for Alstrom syndrome. Last evaluated: 2022-05-12. Review status: criteria provided, single submitter. Criteria: Invitae Variant Classification Sherloc (09022015). Collection method: clinical testing. Allele origin: germline.
Comment: This sequence change replaces valine, which is neutral and non-polar, with methionine, which is neutral and non-polar, at codon 3978 of the ALMS1 protein (p.Val3978Met). This variant is present in population databases (rs185423930, gnomAD 0.02%). This variant has not been reported in the literature in individuals affected with ALMS1-related conditions. ClinVar contains an entry for this variant (Variation ID: 552640). Experimental studies and prediction algorithms are not available or were not evaluated, and the functional significance of this variant is currently unknown. In summary, the available evidence is currently insufficient to determine the role of this variant in disease. Therefore, it has been classified as a Variant of Uncertain Significance.

Fulgent Genetics
Classification: Uncertain significance for Alstrom syndrome. Last evaluated: 2022-02-01. Review status: criteria provided, single submitter. Criteria: ACMG Guidelines, 2015. Collection method: clinical testing. Allele origin: unknown.

Counsyl
Classification: Uncertain significance for Alstrom syndrome. Last evaluated: 2017-06-27. Review status: no assertion criteria provided. Collection method: clinical testing. Allele origin: unknown. Not counted in ClinVar's aggregate classification.

NM_001378454.1(ALMS1):c.11929G>A (p.Val3977Met)

Genes: ALMS1 (ALMS1 centrosome and basal body associated protein; plus strand), LOC126806252 (BRD4-independent group 4 enhancer GRCh37_chr2:73828496-73829695; plus strand). Cytogenetic location: 2p13.1.
Variant type: single nucleotide variant.
Coding change: c.11929G>A on transcript NM_001378454.1 (MANE Select); coding-DNA position 11929, G replaced by A.
Protein change: p.Val3977Met; replaces valine 3977 with methionine.
Molecular consequence: missense variant.
Genome position (GRCh38, 1-based): chr2:73,601,251, G>A. VCF-style: chr2-73601251-G-A. GRCh37 (hg19) VCF-style: chr2-73828378-G-A.
Other names: c.11932G>A, p.Val3978Met (NM_015120.4); short protein forms V3978M, V3977M.
Identifiers: ClinVar variation 552640 (VCV000552640.8), dbSNP rs185423930, ClinGen allele CA1715383.
Genomic context (GRCh38, chr2:73,601,251, plus strand): 5'-GTAGGAGTTTCCTGGTTTGTTCCTGTGGAAAATGTGGAGTCTAGATCAAAGAAGGAAAAC[G>A]TGCCTAACACTTGTGGCCCTGGCATCTCCTGGTTTGAACCAATAACCAAGACCAGACCCT-3'
Protein context (NP_001365383.1, residues 3967-3987): NVESRSKKEN[Val3977Met]PNTCGPGISW